The following is an entry in ClinVar:

ClinVar aggregate classification (germline): Uncertain significance (1 of 4 stars; one submission).

Conditions:
Charcot-Marie-Tooth disease type 4A. Also called: Charcot-Marie-Tooth disease, demyelinating, autosomal recessive, type 4a. Identifiers: Orphanet 99948, MedGen C1859198, MONDO:0008961, OMIM 214400.

Submission:

Labcorp Genetics (formerly Invitae), Labcorp
Classification: Uncertain significance for Charcot-Marie-Tooth disease type 4A. Last evaluated: 2023-05-09. Review status: criteria provided, single submitter. Criteria: Invitae Variant Classification Sherloc (09022015). Collection method: clinical testing. Allele origin: germline.
Comment: This sequence change falls in intron 5 of the GDAP1 gene. It does not directly change the encoded amino acid sequence of the GDAP1 protein. It affects a nucleotide within the consensus splice site. This variant is not present in population databases (gnomAD no frequency). This variant has not been reported in the literature in individuals affected with GDAP1-related conditions. Variants that disrupt the consensus splice site are a relatively common cause of aberrant splicing (PMID: 17576681, 9536098). Algorithms developed to predict the effect of sequence changes on RNA splicing suggest that this variant is not likely to affect RNA splicing. In summary, the available evidence is currently insufficient to determine the role of this variant in disease. Therefore, it has been classified as a Variant of Uncertain Significance.

Literature cited by the submitters: PubMed 17576681; PubMed 9536098.

NM_018972.4(GDAP1):c.694+3A>G

Gene: GDAP1 (ganglioside induced differentiation associated protein 1; plus strand). Cytogenetic location: 8q21.11.
Variant type: single nucleotide variant.
Coding change: c.694+3A>G on transcript NM_018972.4 (MANE Select); 3 bases into the intron after coding-DNA position 694, A replaced by G.
Molecular consequence: intron variant.
Genome position (GRCh38, 1-based): chr8:74,363,056, A>G. VCF-style: chr8-74363056-A-G. GRCh37 (hg19) VCF-style: chr8-75275291-A-G.
Other names: c.694+3A>G (NM_001362931.2); c.520+3A>G (NM_001362930.2); c.367+3A>G (NM_001362929.2, NM_001362932.2); c.490+3A>G (NM_001040875.4).
Identifiers: ClinVar variation 2862783 (VCV002862783.3), dbSNP rs1471986143, ClinGen allele CA2579191319.